The following is an entry in ClinVar:

ClinVar aggregate classification (germline): Uncertain significance (1 of 4 stars; one submission).

Conditions:
Hereditary cancer-predisposing syndrome. Also called: Neoplastic Syndromes, Hereditary; Tumor predisposition; Hereditary neoplastic syndrome; Hereditary Cancer Syndrome. Identifiers: Orphanet 140162, MedGen C0027672, MeSH D009386, MONDO:0015356.

Submission:

Ambry Genetics
Classification: Uncertain significance for Hereditary cancer-predisposing syndrome. Last evaluated: 2024-02-28. Review status: criteria provided, single submitter. Criteria: Ambry Variant Classification Scheme 2023. Collection method: clinical testing. Allele origin: germline.
Comment: The p.G1076R variant (also known as c.3226G>C), located in coding exon 27 of the TSC2 gene, results from a G to C substitution at nucleotide position 3226. The glycine at codon 1076 is replaced by arginine, an amino acid with dissimilar properties. This amino acid position is conserved. In addition, the in silico prediction for this alteration is inconclusive. Based on the available evidence, the clinical significance of this alteration remains unclear.

NM_000548.5(TSC2):c.3226G>C (p.Gly1076Arg)

Gene: TSC2 (TSC complex subunit 2; plus strand). Cytogenetic location: 16p13.3.
Variant type: single nucleotide variant.
Coding change: c.3226G>C on transcript NM_000548.5 (MANE Select); coding-DNA position 3226, G replaced by C.
Protein change: p.Gly1076Arg; replaces glycine 1076 with arginine.
Molecular consequence: missense variant. On other transcripts: non-coding transcript variant (5).
Genome position (GRCh38, 1-based): chr16:2,079,370, G>C. VCF-style: chr16-2079370-G-C. GRCh37 (hg19) VCF-style: chr16-2129371-G-C.
Other names: c.3094G>C, p.Gly1032Arg (NM_001077183.3, NM_001370404.1, NM_001406665.1); c.3226G>C, p.Gly1076Arg (NM_001114382.3); c.2986G>C, p.Gly996Arg (NM_001318827.2); c.2950G>C, p.Gly984Arg (NM_001318829.2); c.2494G>C, p.Gly832Arg (NM_001318831.2, NM_001406687.1, NM_001406688.1); c.3127G>C, p.Gly1043Arg (NM_001318832.2); c.3097G>C, p.Gly1033Arg (NM_001363528.2, NM_001370405.1, NM_021055.3); c.3223G>C, p.Gly1075Arg (NM_001406663.1, NM_001406664.1); and 18 more; short protein forms G1013R, G1026R, G1027R, G1028R, G1029R, G1032R, G1033R, G1039R.
Identifiers: ClinVar variation 3232136 (VCV003232136.1), dbSNP rs747910305, ClinGen allele CA394285992.